The following is an entry in ClinVar:

ClinVar aggregate classification (germline): Likely pathogenic (1 of 4 stars; one submission).

Conditions:
Developmental and epileptic encephalopathy 94 (DEE94). Also called: CHD2-Related Neurodevelopmental Disorders; Epileptic encephalopathy, childhood-onset. Identifiers: Orphanet 1942, Orphanet 2382, MedGen C3809278, MONDO:0014150, OMIM 615369.

Submission:

Labcorp Genetics (formerly Invitae), Labcorp
Classification: Likely pathogenic for Developmental and epileptic encephalopathy 94. Last evaluated: 2023-03-04. Review status: criteria provided, single submitter. Criteria: Invitae Variant Classification Sherloc (09022015). Collection method: clinical testing. Allele origin: germline.
Comment: This sequence change affects a donor splice site in intron 25 of the CHD2 gene. It is expected to disrupt RNA splicing. Variants that disrupt the donor or acceptor splice site typically lead to a loss of protein function (PMID: 16199547), and loss-of-function variants in CHD2 are known to be pathogenic (PMID: 23708187, 24207121). This variant is not present in population databases (gnomAD no frequency). This variant has not been reported in the literature in individuals affected with CHD2-related conditions. Algorithms developed to predict the effect of sequence changes on RNA splicing suggest that this variant may disrupt the consensus splice site. In summary, the currently available evidence indicates that the variant is pathogenic, but additional data are needed to prove that conclusively. Therefore, this variant has been classified as Likely Pathogenic.

Literature cited by the submitters: PubMed 16199547; PubMed 23708187; PubMed 24207121.

NM_001271.4(CHD2):c.3237+1G>A

Gene: CHD2 (chromodomain helicase DNA binding protein 2; plus strand). Cytogenetic location: 15q26.1.
Variant type: single nucleotide variant.
Coding change: c.3237+1G>A on transcript NM_001271.4 (MANE Select); the canonical splice donor site of the intron after coding-DNA position 3237, G replaced by A.
Molecular consequence: splice donor variant.
Genome position (GRCh38, 1-based): chr15:92,984,501, G>A. VCF-style: chr15-92984501-G-A. GRCh37 (hg19) VCF-style: chr15-93527731-G-A.
Identifiers: ClinVar variation 2842923 (VCV002842923.3), dbSNP rs2505559102, ClinGen allele CA393895456.